The following is an entry in ClinVar:

ClinVar aggregate classification (germline): Uncertain significance (1 of 4 stars; one submission).

Allele frequency attached by ClinVar (database versions not stated): gnomAD 0.00001; TOPMed 0.00003.
gnomAD v4.1: 3 of 1,553,268 alleles (0.00019%); highest among the groups gnomAD compares: Admixed American, 0.0057%; no homozygotes.

Submission:

Labcorp Genetics (formerly Invitae), Labcorp
Classification: Uncertain significance. Last evaluated: 2022-02-08. Review status: criteria provided, single submitter. Criteria: Invitae Variant Classification Sherloc (09022015). Collection method: clinical testing. Allele origin: germline.
Comment: This sequence change replaces valine, which is neutral and non-polar, with glycine, which is neutral and non-polar, at codon 13 of the GNMT protein (p.Val13Gly). This variant is present in population databases (no rsID available, gnomAD 0.004%). This variant has not been reported in the literature in individuals affected with GNMT-related conditions. Algorithms developed to predict the effect of missense changes on protein structure and function are either unavailable or do not agree on the potential impact of this missense change (SIFT: "Not Available"; PolyPhen-2: "Probably Damaging"; Align-GVGD: "Not Available"). In summary, the available evidence is currently insufficient to determine the role of this variant in disease. Therefore, it has been classified as a Variant of Uncertain Significance.

NM_018960.6(GNMT):c.38T>G (p.Val13Gly)

Genes: CNPY3-GNMT (CNPY3-GNMT readthrough; plus strand), GNMT (glycine N-methyltransferase; plus strand). Cytogenetic location: 6p21.1.
Variant type: single nucleotide variant.
Coding change: c.38T>G on transcript NM_018960.6 (MANE Select); coding-DNA position 38, T replaced by G.
Protein change: p.Val13Gly; replaces valine 13 with glycine.
Molecular consequence: missense variant. On other transcripts: non-coding transcript variant (1), intron variant (3).
Genome position (GRCh38, 1-based): chr6:42,960,805, T>G. VCF-style: chr6-42960805-T-G. GRCh37 (hg19) VCF-style: chr6-42928543-T-G.
Other names: c.38T>G, p.Val13Gly (NM_001318865.2); c.9-1407T>G (NM_001318856.2); c.152-1957T>G (NM_001318857.2, NM_001318858.2); short protein forms V13G.
Identifiers: ClinVar variation 1959392 (VCV001959392.5), dbSNP rs1300239369, ClinGen allele CA364143143.
Genomic context (GRCh38, chr6:42,960,805, plus strand): 5'-TGCGGAGCCAGGCGCGGCGCAGGATGGTGGACAGCGTGTACCGGACCCGCTCCCTGGGGG[T>G]GGCGGCCGAAGGGCTCCCGGACCAGTACGCGGACGGGGAGGCGGCGCGCGTGTGGCAGCT-3'
Protein context (NP_061833.1, residues 3-23): DSVYRTRSLG[Val13Gly]AAEGLPDQYA